The following is an entry in ClinVar:

ClinVar aggregate classification (germline): Uncertain significance (1 of 4 stars; one submission).

Allele frequency attached by ClinVar (database versions not stated): gnomAD exomes 0.00001 and 0.00002; ExAC 0.00002.
gnomAD v4.1: 6 of 1,614,094 alleles (0.00037%); highest among the groups gnomAD compares: South Asian, 0.0033%; no homozygotes.

Submission:

Labcorp Genetics (formerly Invitae), Labcorp
Classification: Uncertain significance. Last evaluated: 2022-06-13. Review status: criteria provided, single submitter. Criteria: Invitae Variant Classification Sherloc (09022015). Collection method: clinical testing. Allele origin: germline.
Comment: This sequence change replaces glutamine, which is neutral and polar, with arginine, which is basic and polar, at codon 663 of the MTTP protein (p.Gln663Arg). This variant is present in population databases (rs754362046, gnomAD 0.01%). This variant has not been reported in the literature in individuals affected with MTTP-related conditions. Algorithms developed to predict the effect of missense changes on protein structure and function are either unavailable or do not agree on the potential impact of this missense change (SIFT: "Tolerated"; PolyPhen-2: "Possibly Damaging"; Align-GVGD: "Class C0"). Algorithms developed to predict the effect of sequence changes on RNA splicing suggest that this variant may disrupt the consensus splice site. In summary, the available evidence is currently insufficient to determine the role of this variant in disease. Therefore, it has been classified as a Variant of Uncertain Significance.

NM_001386140.1(MTTP):c.1988A>G (p.Gln663Arg)

Gene: MTTP (microsomal triglyceride transfer protein; plus strand). Cytogenetic location: 4q23.
Variant type: single nucleotide variant.
Coding change: c.1988A>G on transcript NM_001386140.1 (MANE Select); coding-DNA position 1988, A replaced by G.
Protein change: p.Gln663Arg; replaces glutamine 663 with arginine.
Molecular consequence: missense variant.
Genome position (GRCh38, 1-based): chr4:99,611,452, A>G. VCF-style: chr4-99611452-A-G. GRCh37 (hg19) VCF-style: chr4-100532609-A-G.
Other names: c.1988A>G, p.Gln663Arg (NM_000253.4); c.1739A>G, p.Gln580Arg (NM_001300785.2); short protein forms Q580R, Q663R.
Identifiers: ClinVar variation 1422461 (VCV001422461.3), dbSNP rs754362046, ClinGen allele CA3022259.